The following is an entry in ClinVar:

ClinVar aggregate classification (germline): Uncertain significance. Review status: criteria provided, multiple submitters, no conflicts (2 of 4 stars). 2 submissions from 2 submitters: Uncertain significance (2). Last evaluated 2022-05-30.

Conditions:
Deficiency of transaldolase. Also called: EYAID SYNDROME. Identifiers: Orphanet 101028, MedGen C1291329, MONDO:0011624, OMIM 606003.

Allele frequency attached by ClinVar (database versions not stated): gnomAD 0.00001; TOPMed 0.00003; 1000 Genomes Project 0.00020.
gnomAD v4.1: 13 of 1,609,522 alleles (0.00081%); highest among the groups gnomAD compares: East Asian, 0.0022%; no homozygotes.

Submissions (2):

Labcorp Genetics (formerly Invitae), Labcorp
Classification: Uncertain significance. Last evaluated: 2022-05-30. Review status: criteria provided, single submitter. Criteria: Invitae Variant Classification Sherloc (09022015). Collection method: clinical testing. Allele origin: germline.
Comment: This sequence change affects codon 160 of the TALDO1 mRNA. It is a 'silent' change, meaning that it does not change the encoded amino acid sequence of the TALDO1 protein. This variant is not present in population databases (gnomAD no frequency). This variant has been observed in individual(s) with transaldolase deficiency (PMID: 28776642). ClinVar contains an entry for this variant (Variation ID: 880684). Algorithms developed to predict the effect of sequence changes on RNA splicing suggest that this variant is not likely to affect RNA splicing. In summary, the available evidence is currently insufficient to determine the role of this variant in disease. Therefore, it has been classified as a Variant of Uncertain Significance.

Illumina Laboratory Services, Illumina
Classification: Uncertain significance for Deficiency of transaldolase. Last evaluated: 2018-01-13. Review status: criteria provided, single submitter. Criteria: ICSL Variant Classification Criteria 13 December 2019. Collection method: clinical testing. Allele origin: germline.

Literature cited by the submitters: PubMed 28776642 (cited by Labcorp Genetics (formerly Invitae), Labcorp).

NM_006755.2(TALDO1):c.480C>T (p.His160=)

Genes: TALDO1 (transaldolase 1; plus strand), LOC126861110 (CDK7 strongly-dependent group 2 enhancer GRCh37_chr11:762588-763787; plus strand). Cytogenetic location: 11p15.5.
Variant type: single nucleotide variant.
Coding change: c.480C>T on transcript NM_006755.2 (MANE Select); coding-DNA position 480, C replaced by T.
Protein change: p.His160=; no amino-acid change (histidine 160 retained).
Molecular consequence: synonymous variant.
Genome position (GRCh38, 1-based): chr11:763,362, C>T. VCF-style: chr11-763362-C-T. GRCh37 (hg19) VCF-style: chr11-763362-C-T.
Identifiers: ClinVar variation 880684 (VCV000880684.8), dbSNP rs200500899, ClinGen allele CA5788186.